The following is an entry in ClinVar:

ClinVar aggregate classification (germline): Likely benign. Review status: criteria provided, multiple submitters, no conflicts (2 of 4 stars). 2 submissions from 2 submitters: Likely benign (2). Last evaluated 2025-04-10.

Conditions:
Koolen-de Vries syndrome (KDVS). Identifiers: Orphanet 96169, MedGen C1864871, MONDO:0012496, OMIM 610443.

Submissions (2):

Labcorp Genetics (formerly Invitae), Labcorp
Classification: Likely benign for Koolen-de Vries syndrome. Last evaluated: 2025-04-10. Review status: criteria provided, single submitter. Criteria: Invitae Variant Classification Sherloc (09022015). Collection method: clinical testing. Allele origin: germline.

CeGaT Center for Human Genetics Tuebingen
Classification: Likely benign. Last evaluated: 2023-09-01. Review status: criteria provided, single submitter. Criteria: CeGaT Center For Human Genetics Tuebingen Variant Classification Criteria Version 2. Collection method: clinical testing. Allele origin: germline. Affected: yes. Observed: 1 variant allele.
Comment: KANSL1: BP4

NM_015443.4(KANSL1):c.2838-8G>A

Gene: KANSL1 (KAT8 regulatory NSL complex subunit 1). Cytogenetic location: 17q21.31.
Variant type: single nucleotide variant.
Coding change: c.2838-8G>A on transcript NM_015443.4 (MANE Select); 8 bases into the intron before coding-DNA position 2838, G replaced by A.
Molecular consequence: intron variant.
Genome position (GRCh38, 1-based): chr17:46,032,307, C>T on the plus strand (G>A on the coding strand, the complement: KANSL1 is on the minus strand). VCF-style: chr17-46032307-C-T. GRCh37 (hg19) VCF-style: chr17-44109673-C-T.
Other names: c.2835-8G>A (NM_001193465.2); c.2838-8G>A (NM_001379198.1, NM_001193466.2).
Identifiers: ClinVar variation 1143058 (VCV001143058.32), dbSNP rs1355646117, ClinGen allele CA626333374.
Genomic context (GRCh38, chr17:46,032,307, plus strand): 5'-GGTTGGCACTGCCCAGCTGGGGGGTTGTCCGGCCGTCTGATGACCTGTAGGACCTGCACA[C>T]CAAGGAATGCAAATCTGAGTGCCTGGGAAATGTTTACTTATGGGGGTAGAGGGCATGAAA-3'